The following is an entry in ClinVar:

NM_145725.3(TRAF3):c.1127G>A (p.Arg376Gln)

Gene: TRAF3 (TNF receptor associated factor 3; plus strand). Cytogenetic location: 14q32.32.
Variant type: single nucleotide variant.
Coding change: c.1127G>A on transcript NM_145725.3 (MANE Select); coding-DNA position 1127, G replaced by A.
Protein change: p.Arg376Gln; replaces arginine 376 with glutamine.
Molecular consequence: missense variant.
Genome position (GRCh38, 1-based): chr14:102,903,421, G>A. VCF-style: chr14-102903421-G-A. GRCh37 (hg19) VCF-style: chr14-103369758-G-A.
Other names: c.878G>A, p.Arg293Gln (NM_001199427.2); c.986G>A, p.Arg329Gln (NM_001385142.1); c.1046G>A, p.Arg349Gln (NM_001385143.1); c.1127G>A, p.Arg376Gln (NM_003300.4); c.1052G>A, p.Arg351Gln (NM_145726.3); short protein forms R293Q, R329Q, R349Q, R376Q, R351Q.
Identifiers: ClinVar variation 1953693 (VCV001953693.5), dbSNP rs767055689, ClinGen allele CA7359513.
Genomic context (GRCh38, chr14:102,903,421, plus strand): 5'-CCCTCCAGAACCGCGTGACCGAGCTGGAGAGCGTGGACAAGAGCGCGGGGCAAGTGGCTC[G>A]GAACACAGGTGAGGCAGGGGCCGGGGCCGGGCCAGCAGTGTGCATCTGGGCCCCGGGCGA-3'
Protein context (NP_663777.1, residues 366-386): SVDKSAGQVA[Arg376Gln]NTGLLESQLS

ClinVar aggregate classification (germline): Uncertain significance (1 of 4 stars; one submission).

Conditions:
Immunodeficiency 132A. Also called: Herpes simplex encephalitis, susceptibility to, 3. Identifiers: Orphanet 1930, MedGen C3553868, MONDO:0013920, OMIM 614849.

Allele frequency attached by ClinVar (database versions not stated): TOPMed 0.00002; ExAC 0.00003; gnomAD 0.00003.
gnomAD v4.1: 35 of 1,613,780 alleles (0.0022%); highest among the groups gnomAD compares: South Asian, 0.022%; 1 homozygote.

Submission:

Labcorp Genetics (formerly Invitae), Labcorp
Classification: Uncertain significance for Immunodeficiency 132A. Last evaluated: 2022-10-16. Review status: criteria provided, single submitter. Criteria: Invitae Variant Classification Sherloc (09022015). Collection method: clinical testing. Allele origin: germline.
Comment: In summary, the available evidence is currently insufficient to determine the role of this variant in disease. Therefore, it has been classified as a Variant of Uncertain Significance. Algorithms developed to predict the effect of missense changes on protein structure and function (SIFT, PolyPhen-2, Align-GVGD) all suggest that this variant is likely to be tolerated. This variant has not been reported in the literature in individuals affected with TRAF3-related conditions. This variant is present in population databases (rs767055689, gnomAD 0.02%). This sequence change replaces arginine, which is basic and polar, with glutamine, which is neutral and polar, at codon 376 of the TRAF3 protein (p.Arg376Gln).